The following is an entry in ClinVar:

NM_005732.4(RAD50):c.1705T>A (p.Tyr569Asn)

Gene: RAD50 (RAD50 double strand break repair protein; plus strand). Cytogenetic location: 5q31.1.
Variant type: single nucleotide variant.
Coding change: c.1705T>A on transcript NM_005732.4 (MANE Select); coding-DNA position 1705, T replaced by A.
Protein change: p.Tyr569Asn; replaces tyrosine 569 with asparagine.
Molecular consequence: missense variant.
Genome position (GRCh38, 1-based): chr5:132,591,946, T>A. VCF-style: chr5-132591946-T-A. GRCh37 (hg19) VCF-style: chr5-131927638-T-A.
Other names: short protein forms Y569N.
Identifiers: ClinVar variation 1778440 (VCV001778440.2), dbSNP rs2149842694, ClinGen allele CA360946467.

ClinVar aggregate classification (germline): Uncertain significance (1 of 4 stars; one submission).

Conditions:
Hereditary cancer-predisposing syndrome. Also called: Neoplastic Syndromes, Hereditary; Tumor predisposition; Hereditary Cancer Syndrome; Hereditary neoplastic syndrome. Identifiers: Orphanet 140162, MedGen C0027672, MeSH D009386, MONDO:0015356.

Submission:

Ambry Genetics
Classification: Uncertain significance for Hereditary cancer-predisposing syndrome. Last evaluated: 2022-03-01. Review status: criteria provided, single submitter. Criteria: Ambry Variant Classification Scheme 2023. Collection method: clinical testing. Allele origin: germline.
Comment: The p.Y569N variant (also known as c.1705T>A), located in coding exon 11 of the RAD50 gene, results from a T to A substitution at nucleotide position 1705. The tyrosine at codon 569 is replaced by asparagine, an amino acid with dissimilar properties. This amino acid position is conserved. In addition, this alteration is predicted to be tolerated by in silico analysis. Since supporting evidence is limited at this time, the clinical significance of this alteration remains unclear.